The following is an entry in ClinVar:

NM_031418.4(ANO3):c.1997A>G (p.His666Arg)

Gene: ANO3 (anoctamin 3; plus strand). Cytogenetic location: 11p14.2.
Variant type: single nucleotide variant.
Coding change: c.1997A>G on transcript NM_031418.4 (MANE Select); coding-DNA position 1997, A replaced by G.
Protein change: p.His666Arg; replaces histidine 666 with arginine.
Molecular consequence: missense variant.
Genome position (GRCh38, 1-based): chr11:26,635,024, A>G. VCF-style: chr11-26635024-A-G. GRCh37 (hg19) VCF-style: chr11-26656571-A-G.
Other names: c.2180A>G, p.His727Arg (NM_001313726.2); c.1559A>G, p.His520Arg (NM_001313727.2); short protein forms H727R, H666R, H520R.
Identifiers: ClinVar variation 2177326 (VCV002177326.4), dbSNP rs778129505, ClinGen allele CA5926394.

ClinVar aggregate classification (germline): Uncertain significance (1 of 4 stars; one submission).

Conditions:
Dystonic disorder. Also called: Dystonia. Identifiers: MedGen C0013421, MONDO:0003441, HP:0001332.

Allele frequency attached by ClinVar (database versions not stated): gnomAD exomes below 0.00001; ExAC 0.00001.
gnomAD v4.1: 2 of 1,613,582 alleles (0.00012%); highest among the groups gnomAD compares: Non-Finnish European, 0.00017%; no homozygotes.

Submission:

Labcorp Genetics (formerly Invitae), Labcorp
Classification: Uncertain significance for Dystonic disorder. Last evaluated: 2023-08-04. Review status: criteria provided, single submitter. Criteria: Invitae Variant Classification Sherloc (09022015). Collection method: clinical testing. Allele origin: germline.
Comment: Advanced modeling of protein sequence and biophysical properties (such as structural, functional, and spatial information, amino acid conservation, physicochemical variation, residue mobility, and thermodynamic stability) performed at Invitae indicates that this missense variant is not expected to disrupt ANO3 protein function. In summary, the available evidence is currently insufficient to determine the role of this variant in disease. Therefore, it has been classified as a Variant of Uncertain Significance. ClinVar contains an entry for this variant (Variation ID: 2177326). This sequence change replaces histidine, which is basic and polar, with arginine, which is basic and polar, at codon 666 of the ANO3 protein (p.His666Arg). This variant is present in population databases (rs778129505, gnomAD 0.0009%). This variant has not been reported in the literature in individuals affected with ANO3-related conditions.